The following is an entry in ClinVar:

NC_000002.11:g.(?_233164740)_(233199455_?)dup

Gene: DIS3L2 (DIS3 like 3'-5' exoribonuclease 2; plus strand). Cytogenetic location: 2q37.1.
Variant type: Duplication.
Identifiers: ClinVar variation 1443019 (VCV001443019.5).

ClinVar aggregate classification (germline): Uncertain significance (1 of 4 stars; one submission).

Conditions:
Perlman syndrome (PRLMNS). Identifiers: Orphanet 2849, MedGen C0796113, MONDO:0009965, OMIM 267000.

Submission:

Labcorp Genetics (formerly Invitae), Labcorp
Classification: Uncertain significance for Perlman syndrome. Last evaluated: 2022-08-21. Review status: criteria provided, single submitter. Criteria: Invitae Variant Classification Sherloc (09022015). Collection method: clinical testing. Allele origin: germline.
Comment: In summary, the available evidence is currently insufficient to determine the role of this variant in disease. Therefore, it has been classified as a Variant of Uncertain Significance. Experimental studies and prediction algorithms are not available or were not evaluated, and the functional significance of this variant is currently unknown. This variant has not been reported in the literature in individuals affected with DIS3L2-related conditions. This variant results in a copy number gain of the genomic region encompassing exon(s) 14-19 of the DIS3L2 gene. While the exact position of this variant cannot be determined from the data, sub-genic copy number gains are generally in tandem (PMID: 25640679). This variant is predicted to be in-frame, and likely preserves the integrity of the reading frame.

Literature cited by the submitters: PubMed 25640679.